The following is an entry in ClinVar:

NM_005544.3(IRS1):c.2674A>G (p.Ser892Gly)

Gene: IRS1 (insulin receptor substrate 1; minus strand). Cytogenetic location: 2q36.3.
Variant type: single nucleotide variant.
Coding change: c.2674A>G on transcript NM_005544.3 (MANE Select); coding-DNA position 2674, A replaced by G.
Protein change: p.Ser892Gly; replaces serine 892 with glycine.
Molecular consequence: missense variant.
Genome position (GRCh38, 1-based): chr2:226,796,065, T>C on the plus strand (A>G on the coding strand, the complement: IRS1 is on the minus strand). VCF-style: chr2-226796065-T-C. GRCh37 (hg19) VCF-style: chr2-227660781-T-C.
Other names: short protein forms S892G.
Identifiers: ClinVar variation 725911 (VCV000725911.28), dbSNP rs1801277, ClinGen allele CA2143045.

ClinVar aggregate classification (germline): Benign/Likely benign. Review status: criteria provided, multiple submitters, no conflicts (2 of 4 stars). 4 submissions from 4 submitters: Benign (3); Likely benign (1). Last evaluated 2025-11-01.

Allele frequency attached by ClinVar (database versions not stated): 1000 Genomes Project 30x 0.00109; 1000 Genomes Project 0.00120; TOPMed 0.00182; gnomAD 0.00245 and 0.00252; ExAC 0.00246; gnomAD exomes 0.00268 and 0.00323; ESP Exome Variant Server 0.00284.
gnomAD v4.1: 5,036 of 1,613,936 alleles (0.31%); highest among the groups gnomAD compares: Non-Finnish European, 0.34%; 17 homozygotes.

Submissions (4):

CeGaT Center for Human Genetics Tuebingen
Classification: Benign. Last evaluated: 2025-11-01. Review status: criteria provided, single submitter. Criteria: CeGaT Center For Human Genetics Tuebingen Variant Classification Criteria Version 2. Collection method: clinical testing. Allele origin: germline. Affected: yes. Observed: 2 variant alleles.
Comment: IRS1: BS1, BS2

Blueprint Genetics
Classification: Likely benign. Last evaluated: 2024-11-21. Review status: criteria provided, single submitter. Criteria: ACMG Guidelines, 2015. Collection method: clinical testing. Allele origin: germline.

Labcorp Genetics (formerly Invitae), Labcorp
Classification: Benign. Last evaluated: 2019-12-31. Review status: criteria provided, single submitter. Criteria: Invitae Variant Classification Sherloc (09022015). Collection method: clinical testing. Allele origin: germline.

Breakthrough Genomics
Classification: Benign. Review status: criteria provided, single submitter. Criteria: ACMG Guidelines, 2015. Collection method: not provided. Allele origin: germline. Inheritance: Autosomal dominant inheritance. Affected: yes.